The following is an entry in ClinVar:

NM_002087.4(GRN):c.835+7G>A

Gene: GRN (granulin precursor; plus strand). Cytogenetic location: 17q21.31.
Variant type: single nucleotide variant.
Coding change: c.835+7G>A on transcript NM_002087.4 (MANE Select); 7 bases into the intron after coding-DNA position 835, G replaced by A.
Molecular consequence: intron variant.
Genome position (GRCh38, 1-based): chr17:44,351,170, G>A. VCF-style: chr17-44351170-G-A. GRCh37 (hg19) VCF-style: chr17-42428538-G-A.
Identifiers: ClinVar variation 258553 (VCV000258553.29), dbSNP rs72824736, ClinGen allele CA8602024.

ClinVar aggregate classification (germline): Benign. Review status: criteria provided, multiple submitters, no conflicts (2 of 4 stars). 11 submissions from 11 submitters: Benign (7). 4 of the submissions do not count toward it. Last evaluated 2026-02-03.

Conditions:
GRN-related frontotemporal lobar degeneration with Tdp43 inclusions (FTD2). Also called: GRN Frontotemporal Dementia; FRONTOTEMPORAL DEMENTIA WITH TDP43 INCLUSIONS, GRN-RELATED; FRONTOTEMPORAL LOBAR DEGENERATION WITH UBIQUITIN-POSITIVE INCLUSIONS; FTLD-TDP, GRN-RELATED; DEMENTIA, HEREDITARY DYSPHASIC DISINHIBITION. Identifiers: Orphanet 100070, Orphanet 282, MedGen C1843792, MONDO:0011842, OMIM 607485. Disease mechanism: loss of function.
Neuronal ceroid lipofuscinosis 11. Also called: GRN-Related Neuronal Ceroid-Lipofuscinosis. Identifiers: Orphanet 314629, Orphanet 79262, MedGen C3539123, MONDO:0013866, OMIM 614706.

Allele frequency attached by ClinVar (database versions not stated): 1000 Genomes Project 0.02196; 1000 Genomes Project 30x 0.02311; TOPMed 0.04226; gnomAD exomes 0.04550; gnomAD 0.04551 and 0.04753; ExAC 0.04815; ESP Exome Variant Server 0.05267.
gnomAD v4.1: 104,648 of 1,614,032 alleles (6.5%); highest among the groups gnomAD compares: Non-Finnish European, 8%; 4,152 homozygotes.

Submissions (11):

Labcorp Genetics (formerly Invitae), Labcorp
Classification: Benign for Neuronal ceroid lipofuscinosis 11; GRN-related frontotemporal lobar degeneration with Tdp43 inclusions. Last evaluated: 2026-02-03. Review status: criteria provided, single submitter. Criteria: Invitae Variant Classification Sherloc (09022015). Collection method: clinical testing. Allele origin: germline.

Athena Diagnostics
Classification: Benign. Last evaluated: 2025-07-24. Review status: criteria provided, single submitter. Criteria: Athena Diagnostics Criteria. Collection method: clinical testing. Allele origin: unknown.
Comment: The frequency of this variant in the general population is higher than would generally be expected for pathogenic variants in this gene. Computational tools yielded predictions that this variant is unlikely to have an effect on normal RNA splicing. This nucleotide position exhibits low evolutionary conservation.

Blueprint Genetics
Classification: Benign. Last evaluated: 2024-11-27. Review status: criteria provided, single submitter. Criteria: ACMG Guidelines, 2015. Collection method: clinical testing. Allele origin: germline.

GeneDx
Classification: Benign. Last evaluated: 2018-08-17. Review status: criteria provided, single submitter. Criteria: GeneDx Variant Classification Process June 2021. Collection method: clinical testing. Allele origin: germline. Affected: yes.

Illumina Laboratory Services, Illumina
Classification: Benign for GRN-related frontotemporal lobar degeneration with Tdp43 inclusions. Last evaluated: 2018-01-12. Review status: criteria provided, single submitter. Criteria: ICSL Variant Classification Criteria 13 December 2019. Collection method: clinical testing. Allele origin: germline.
Comment: This variant was observed in the ICSL laboratory as part of a predisposition screen in an ostensibly healthy population. It had not been previously curated by ICSL or reported in the Human Gene Mutation Database (HGMD: prior to June 1st, 2018), and was therefore a candidate for classification through an automated scoring system. Utilizing variant allele frequency, disease prevalence and penetrance estimates, and inheritance mode, an automated score was calculated to assess if this variant is too frequent to cause the disease. Based on the score and internal cut-off values, a variant classified as benign is not then subjected to further curation. The score for this variant resulted in a classification of benign for this disease.

Breakthrough Genomics
Classification: Benign. Review status: criteria provided, single submitter. Criteria: ACMG Guidelines, 2015. Collection method: not provided. Allele origin: germline. Inheritance: Autosomal recessive inheritance. Affected: yes.

PreventionGenetics, part of Exact Sciences
Classification: Benign. Review status: criteria provided, single submitter. Criteria: ACMG Guidelines, 2015. Collection method: clinical testing. Allele origin: germline.

Mayo Clinic Laboratories, Mayo Clinic
Classification: Benign. Last evaluated: 2015-10-22. Review status: no assertion criteria provided. Collection method: clinical testing. Allele origin: unknown. Not counted in ClinVar's aggregate classification.

Clinical Genetics DNA and cytogenetics Diagnostics Lab, Erasmus MC, Erasmus Medical Center
Classification: Benign. Review status: no assertion criteria provided. Collection method: clinical testing. Allele origin: germline. Affected: yes. Study: VKGL Data-share Consensus. Not counted in ClinVar's aggregate classification.

Clinical Genetics, Academic Medical Center
Classification: Benign. Review status: no assertion criteria provided. Collection method: clinical testing. Allele origin: germline. Affected: yes. Study: VKGL Data-share Consensus. Not counted in ClinVar's aggregate classification.

Genome Diagnostics Laboratory, Amsterdam University Medical Center
Classification: Benign. Review status: no assertion criteria provided. Collection method: clinical testing. Allele origin: germline. Affected: yes. Study: VKGL Data-share Consensus. Not counted in ClinVar's aggregate classification.